The following is an entry in ClinVar:

NM_000038.6(APC):c.8143A>G (p.Thr2715Ala)

Gene: APC (APC regulator of Wnt signaling pathway; plus strand). Cytogenetic location: 5q22.2.
Variant type: single nucleotide variant.
Coding change: c.8143A>G on transcript NM_000038.6 (MANE Select); coding-DNA position 8143, A replaced by G.
Protein change: p.Thr2715Ala; replaces threonine 2715 with alanine.
Molecular consequence: missense variant.
Genome position (GRCh38, 1-based): chr5:112,843,737, A>G. VCF-style: chr5-112843737-A-G. GRCh37 (hg19) VCF-style: chr5-112179434-A-G.
Other names: c.8143A>G, p.Thr2715Ala (NM_001127510.3, NM_001354895.2); c.8089A>G, p.Thr2697Ala (NM_001127511.3); c.8197A>G, p.Thr2733Ala (NM_001354896.2); c.8173A>G, p.Thr2725Ala (NM_001354897.2); c.8068A>G, p.Thr2690Ala (NM_001354898.2); c.8059A>G, p.Thr2687Ala (NM_001354899.2); c.8020A>G, p.Thr2674Ala (NM_001354900.2); c.7966A>G, p.Thr2656Ala (NM_001354901.2); and 5 more; short protein forms T2715A, T2697A, T2690A, T2614A, T2674A, T2725A, T2733A, T2432A.
Identifiers: ClinVar variation 537538 (VCV000537538.10), dbSNP rs749895442, ClinGen allele CA16039014.

ClinVar aggregate classification (germline): Uncertain significance (1 of 4 stars; one submission).

Conditions:
Familial adenomatous polyposis 1 (FAP1). Also called: FAMILIAL ADENOMATOUS POLYPOSIS 1, ATTENUATED; POLYPOSIS, ADENOMATOUS INTESTINAL. Identifiers: MedGen C2713442, MONDO:0021056, OMIM 175100. Disease mechanism: loss of function.

Submission:

Labcorp Genetics (formerly Invitae), Labcorp
Classification: Uncertain significance for Familial adenomatous polyposis 1. Last evaluated: 2017-10-14. Review status: criteria provided, single submitter. Criteria: Invitae Variant Classification Sherloc (09022015). Collection method: clinical testing. Allele origin: germline.
Comment: In summary, the available evidence is currently insufficient to determine the role of this variant in disease. Therefore, it has been classified as a Variant of Uncertain Significance. Algorithms developed to predict the effect of missense changes on protein structure and function (SIFT, PolyPhen-2, Align-GVGD) all suggest that this variant is likely to be tolerated, but these predictions have not been confirmed by published functional studies and their clinical significance is uncertain. This variant has not been reported in the literature in individuals with APC-related disease. This variant is not present in population databases (ExAC no frequency). This sequence change replaces threonine with alanine at codon 2715 of the APC protein (p.Thr2715Ala). The threonine residue is moderately conserved and there is a small physicochemical difference between threonine and alanine.